The following is an entry in ClinVar:

ClinVar aggregate classification (germline): Likely benign (1 of 4 stars; one submission).

Conditions:
Pheochromocytoma/paraganglioma syndrome 5. Also called: Paragangliomas 5; SDHA-Related Hereditary Paraganglioma-Pheochromocytoma Syndrome. Identifiers: Orphanet 29072, MedGen C3279992, MONDO:0013602, OMIM 614165.

gnomAD v4.1: 1 of 1,613,758 alleles (0.000062%); no homozygotes.

Submission:

Myriad Genetics, Inc.
Classification: Likely benign for Pheochromocytoma/paraganglioma syndrome 5. Last evaluated: 2025-03-03. Review status: criteria provided, single submitter. Criteria: Myriad Autosomal Dominant, Autosomal Recessive and X-Linked Classification Criteria (2023). Collection method: clinical testing. Allele origin: unknown.
Comment: This variant is considered likely benign. This variant is intronic and is not expected to impact mRNA splicing.

NM_004168.4(SDHA):c.622-3T>C

Gene: SDHA (succinate dehydrogenase complex flavoprotein subunit A; plus strand). Cytogenetic location: 5p15.33.
Variant type: single nucleotide variant.
Coding change: c.622-3T>C on transcript NM_004168.4 (MANE Select); 3 bases into the intron before coding-DNA position 622, T replaced by C.
Molecular consequence: intron variant.
Genome position (GRCh38, 1-based): chr5:228,182, T>C. VCF-style: chr5-228182-T-C. GRCh37 (hg19) VCF-style: chr5-228297-T-C.
Other names: c.622-3T>C (NM_001330758.2); c.478-3T>C (NM_001294332.2).
Identifiers: ClinVar variation 3904396 (VCV003904396.1).